The following is an entry in ClinVar:

ClinVar aggregate classification (germline): Uncertain significance (1 of 4 stars; one submission).

Conditions:
Hereditary cancer-predisposing syndrome. Also called: Neoplastic Syndromes, Hereditary; Tumor predisposition; Hereditary neoplastic syndrome; Hereditary Cancer Syndrome. Identifiers: Orphanet 140162, MedGen C0027672, MeSH D009386, MONDO:0015356.

Submission:

Ambry Genetics
Classification: Uncertain significance for Hereditary cancer-predisposing syndrome. Last evaluated: 2024-06-15. Review status: criteria provided, single submitter. Criteria: Ambry Variant Classification Scheme 2023. Collection method: clinical testing. Allele origin: germline.
Comment: The p.P489L variant (also known as c.1466C>T), located in coding exon 5 of the AXIN2 gene, results from a C to T substitution at nucleotide position 1466. The proline at codon 489 is replaced by leucine, an amino acid with similar properties. This amino acid position is conserved. In addition, this alteration is predicted to be tolerated by in silico analysis. Based on the available evidence, the clinical significance of this variant remains unclear.

NM_004655.4(AXIN2):c.1466C>T (p.Pro489Leu)

Gene: AXIN2 (axin 2; minus strand). Cytogenetic location: 17q24.1.
Variant type: single nucleotide variant.
Coding change: c.1466C>T on transcript NM_004655.4 (MANE Select); coding-DNA position 1466, C replaced by T.
Protein change: p.Pro489Leu; replaces proline 489 with leucine.
Molecular consequence: missense variant.
Genome position (GRCh38, 1-based): chr17:65,537,570, G>A on the plus strand (C>T on the coding strand, the complement: AXIN2 is on the minus strand). VCF-style: chr17-65537570-G-A. GRCh37 (hg19) VCF-style: chr17-63533688-G-A.
Other names: c.1466C>T, p.Pro489Leu (NM_001363813.1); short protein forms P489L.
Identifiers: ClinVar variation 3335053 (VCV003335053.1).